The following is an entry in ClinVar:

ClinVar aggregate classification (germline): Likely benign. Review status: criteria provided, multiple submitters, no conflicts (2 of 4 stars). 2 submissions from 2 submitters: Likely benign (2). Last evaluated 2026-09-16.

Conditions:
Cohen syndrome (COH1). Also called: PEPPER SYNDROME; Cutis verticis gyrata, retinitis pigmentosa, and sensorineural deafness. Identifiers: Orphanet 193, MedGen C0265223, MONDO:0008999, OMIM 216550.
VPS13B-related disorder. Also called: VPS13B-related condition.

Allele frequency attached by ClinVar (database versions not stated): TOPMed below 0.00001; ExAC 0.00001.
gnomAD v4.1: 6 of 1,613,906 alleles (0.00037%); highest among the groups gnomAD compares: Non-Finnish European, 0.00051%; no homozygotes.

Submissions (2):

PreventionGenetics, part of Exact Sciences
Classification: Likely benign for VPS13B-related condition. Last evaluated: 2026-09-16. Review status: criteria provided, single submitter. Criteria: ACMG Guidelines, 2015. Collection method: clinical testing. Allele origin: germline.
Comment: This variant is classified as likely benign based on ACMG/AMP sequence variant interpretation guidelines (Richards et al. 2015 PMID: 25741868, with internal and published modifications).

Labcorp Genetics (formerly Invitae), Labcorp
Classification: Likely benign for Cohen syndrome. Last evaluated: 2023-11-24. Review status: criteria provided, single submitter. Criteria: Invitae Variant Classification Sherloc (09022015). Collection method: clinical testing. Allele origin: germline.

NM_152564.5(VPS13B):c.3252C>T (p.Ser1084=)

Gene: VPS13B (vacuolar protein sorting 13 homolog B; plus strand). Cytogenetic location: 8q22.2.
Variant type: single nucleotide variant.
Coding change: c.3252C>T on transcript NM_152564.5 (MANE Select); coding-DNA position 3252, C replaced by T.
Protein change: p.Ser1084=; no amino-acid change (serine 1084 retained).
Molecular consequence: synonymous variant.
Genome position (GRCh38, 1-based): chr8:99,442,442, C>T. VCF-style: chr8-99442442-C-T. GRCh37 (hg19) VCF-style: chr8-100454670-C-T.
Other names: c.3252C>T, p.Ser1084= (NM_017890.5).
Identifiers: ClinVar variation 2703844 (VCV002703844.4), dbSNP rs763011957, ClinGen allele CA4823211.